The following is an entry in ClinVar:

ClinVar aggregate classification (germline): Uncertain significance (1 of 4 stars; one submission).

Conditions:
Hypertrophic cardiomyopathy 19. Also called: Familial hypertrophic cardiomyopathy 19. Identifiers: MedGen CN077603, MONDO:0013476.

gnomAD v4.1: 2 of 1,614,248 alleles (0.00012%); highest among the groups gnomAD compares: Non-Finnish European, 0.00017%; no homozygotes.

Submission:

Labcorp Genetics (formerly Invitae), Labcorp
Classification: Uncertain significance for Hypertrophic cardiomyopathy 19. Last evaluated: 2023-07-22. Review status: criteria provided, single submitter. Criteria: Invitae Variant Classification Sherloc (09022015). Collection method: clinical testing. Allele origin: germline.
Comment: This sequence change replaces aspartic acid, which is acidic and polar, with glutamic acid, which is acidic and polar, at codon 284 of the CALR3 protein (p.Asp284Glu). This variant is not present in population databases (gnomAD no frequency). This variant has not been reported in the literature in individuals affected with CALR3-related conditions. Advanced modeling of protein sequence and biophysical properties (such as structural, functional, and spatial information, amino acid conservation, physicochemical variation, residue mobility, and thermodynamic stability) performed at Invitae indicates that this missense variant is not expected to disrupt CALR3 protein function. In summary, the available evidence is currently insufficient to determine the role of this variant in disease. Therefore, it has been classified as a Variant of Uncertain Significance.

NM_145046.5(CALR3):c.852C>G (p.Asp284Glu)

Gene: CALR3 (calreticulin 3; minus strand). Cytogenetic location: 19p13.11.
Variant type: single nucleotide variant.
Coding change: c.852C>G on transcript NM_145046.5 (MANE Select); coding-DNA position 852, C replaced by G.
Protein change: p.Asp284Glu; replaces aspartic acid 284 with glutamic acid.
Molecular consequence: missense variant.
Genome position (GRCh38, 1-based): chr19:16,482,516, G>C on the plus strand (C>G on the coding strand, the complement: CALR3 is on the minus strand). VCF-style: chr19-16482516-G-C. GRCh37 (hg19) VCF-style: chr19-16593327-G-C.
Other names: short protein forms D284E.
Identifiers: ClinVar variation 2728849 (VCV002728849.3), dbSNP rs2513188311, ClinGen allele CA404607846.